The following is an entry in ClinVar:

NM_003922.4(HERC1):c.653G>C (p.Gly218Ala)

Gene: HERC1 (HECT and RLD domain containing E3 ubiquitin protein ligase family member 1; minus strand). Cytogenetic location: 15q22.31.
Variant type: single nucleotide variant.
Coding change: c.653G>C on transcript NM_003922.4 (MANE Select); coding-DNA position 653, G replaced by C.
Protein change: p.Gly218Ala; replaces glycine 218 with alanine.
Molecular consequence: missense variant.
Genome position (GRCh38, 1-based): chr15:63,774,971, C>G on the plus strand (G>C on the coding strand, the complement: HERC1 is on the minus strand). VCF-style: chr15-63774971-C-G. GRCh37 (hg19) VCF-style: chr15-64067170-C-G.
Other names: c.653G>C (NM_003922.3); short protein forms G218A.
Identifiers: ClinVar variation 1909482 (VCV001909482.5), dbSNP rs764763896, ClinGen allele CA7606623.

ClinVar aggregate classification (germline): Uncertain significance. Review status: criteria provided, multiple submitters, no conflicts (2 of 4 stars). 2 submissions from 2 submitters: Uncertain significance (2). Last evaluated 2025-09-21.

Conditions:
Inborn genetic diseases. Identifiers: MedGen C0950123, MeSH D030342.

Allele frequency attached by ClinVar (database versions not stated): gnomAD exomes 0.00003; gnomAD 0.00005; TOPMed 0.00006; ExAC 0.00007.
gnomAD v4.1: 53 of 1,613,862 alleles (0.0033%); highest among the groups gnomAD compares: South Asian, 0.0055%; no homozygotes.

Submissions (2):

Labcorp Genetics (formerly Invitae), Labcorp
Classification: Uncertain significance. Last evaluated: 2025-09-21. Review status: criteria provided, single submitter. Criteria: Invitae Variant Classification Sherloc (09022015). Collection method: clinical testing. Allele origin: germline.
Comment: This sequence change replaces glycine, which is neutral and non-polar, with alanine, which is neutral and non-polar, at codon 218 of the HERC1 protein (p.Gly218Ala). This variant is present in population databases (rs764763896, gnomAD 0.01%). This variant has not been reported in the literature in individuals affected with HERC1-related conditions. ClinVar contains an entry for this variant (Variation ID: 1909482). Invitae Evidence Modeling of protein sequence and biophysical properties (such as structural, functional, and spatial information, amino acid conservation, physicochemical variation, residue mobility, and thermodynamic stability) indicates that this missense variant is not expected to disrupt HERC1 protein function with a negative predictive value of 80%. In summary, the available evidence is currently insufficient to determine the role of this variant in disease. Therefore, it has been classified as a Variant of Uncertain Significance.

Ambry Genetics
Classification: Uncertain significance for Inborn genetic diseases. Last evaluated: 2024-08-21. Review status: criteria provided, single submitter. Criteria: Ambry Variant Classification Scheme 2023. Collection method: clinical testing. Allele origin: germline.